The following is an entry in ClinVar:

NM_007294.4(BRCA1):c.5407-29T>G

Gene: BRCA1 (BRCA1 DNA repair associated; minus strand). Cytogenetic location: 17q21.31.
Variant type: single nucleotide variant.
Coding change: c.5407-29T>G on transcript NM_007294.4 (MANE Select); 29 bases into the intron before coding-DNA position 5407, T replaced by G.
Molecular consequence: intron variant.
Genome position (GRCh38, 1-based): chr17:43,047,732, A>C on the plus strand (T>G on the coding strand, the complement: BRCA1 is on the minus strand). VCF-style: chr17-43047732-A-C. GRCh37 (hg19) VCF-style: chr17-41199749-A-C.
Other names: c.5194-29T>G (NM_001407896.1, NM_001407900.1, NM_001407571.1 and 12 more transcripts); c.5071-29T>G (NM_001407952.1, NM_001407950.1, NM_001407954.1 and 3 more transcripts); c.5260-29T>G (NM_001407841.1, NM_001407838.1, NM_001407847.1 and 12 more transcripts); c.5200-29T>G (NM_001407874.1, NM_001407875.1); c.2017-29T>G (NM_001408416.1, NM_001408414.1, NM_001408415.1 and 2 more transcripts); c.5074-29T>G (NM_001407948.1, NM_001407947.1, NM_001407949.1 and 1 more transcripts); c.1885-29T>G (NM_001408484.1, NM_001408485.1, NM_001408483.1 and 5 more transcripts); c.1888-29T>G (NM_001408478.1, NM_001408480.1, NM_001408479.1); and 83 more.
Identifiers: ClinVar variation 4526045 (VCV004526045.2).

ClinVar aggregate classification (germline): Likely benign. Review status: criteria provided, multiple submitters, no conflicts (2 of 4 stars). 2 submissions from 2 submitters: Likely benign (2). Last evaluated 2026-09-01.

Conditions:
Breast-ovarian cancer, familial, susceptibility to, 1 (BROVCA1). Also called: OVARIAN CANCER, SUSCEPTIBILITY TO; BRCA1 Hereditary Breast and Ovarian Cancer. Identifiers: Orphanet 145, MedGen C2676676, MONDO:0011450, OMIM 604370. Disease mechanism: loss of function.

gnomAD v4.1: 5 of 1,612,156 alleles (0.00031%); highest among the groups gnomAD compares: African/African-American, 0.0027%; no homozygotes.

Submissions (2):

Myriad Genetics, Inc.
Classification: Likely benign for Breast-ovarian cancer, familial, susceptibility to, 1. Last evaluated: 2026-09-01. Review status: criteria provided, single submitter. Criteria: Myriad Autosomal Dominant, Autosomal Recessive and X-Linked Classification Criteria (2023). Collection method: clinical testing. Allele origin: unknown.
Comment: This variant is considered likely benign. This variant is strongly associated with less severe personal and family histories of cancer, typical for individuals without pathogenic variants in this gene [PMID: 25085752].

Women's Health and Genetics/Laboratory Corporation of America, LabCorp
Classification: Likely benign. Last evaluated: 2025-07-09. Review status: criteria provided, single submitter. Criteria: LabCorp Variant Classification Summary - May 2015. Collection method: clinical testing. Allele origin: germline.

Literature cited by the submitters: PubMed 25085752 (cited by Myriad Genetics, Inc.).